The following is an entry in ClinVar:

NM_001164508.2(NEB):c.23537A>C (p.Asn7846Thr)

Genes: NEB (nebulin; minus strand), RIF1 (replication timing regulatory factor 1; plus strand). Cytogenetic location: 2q23.3.
Variant type: single nucleotide variant.
Coding change: c.23537A>C on transcript NM_001164508.2 (MANE Select); coding-DNA position 23537, A replaced by C.
Protein change: p.Asn7846Thr; replaces asparagine 7846 with threonine.
Molecular consequence: missense variant.
Genome position (GRCh38, 1-based): chr2:151,506,928, T>G on the plus strand (A>C on the coding strand, the complement: NEB is on the minus strand). VCF-style: chr2-151506928-T-G. GRCh37 (hg19) VCF-style: chr2-152363442-T-G.
Other names: c.23537A>C, p.Asn7846Thr (NM_001164507.2); c.23642A>C, p.Asn7881Thr (NM_001271208.2); c.18434A>C, p.Asn6145Thr (NM_004543.5); short protein forms N6145T, N7846T, N7881T.
Identifiers: ClinVar variation 3027330 (VCV003027330.22), dbSNP rs2552008606, ClinGen allele CA348784479.
Genomic context (GRCh38, chr2:151,506,928, plus strand): 5'-GACTAGGTTAGCATTAAATGCAAAATAAATAGTAAATATACCGAGCTGAAATTCTTCTGA[T>G]TTTCTTTTACACGCAGTATTTCTGGCGTGTCTTGAACAACTGTAATTTTTCCTTTACTGT-3'
Protein context (NP_001157980.2, residues 7836-7856): DTPEILRVKE[Asn7846Thr]QKNFSSVLYK

ClinVar aggregate classification (germline): Uncertain significance (1 of 4 stars; one submission).

Submission:

CeGaT Center for Human Genetics Tuebingen
Classification: Uncertain significance. Last evaluated: 2024-02-01. Review status: criteria provided, single submitter. Criteria: CeGaT Center For Human Genetics Tuebingen Variant Classification Criteria Version 2. Collection method: clinical testing. Allele origin: germline. Affected: yes. Observed: 1 variant allele.
Comment: NEB: PM2